The following is an entry in ClinVar:

ClinVar aggregate classification (germline): Pathogenic/Likely pathogenic. Review status: criteria provided, multiple submitters, no conflicts (2 of 4 stars). 2 submissions from 2 submitters: Pathogenic (1); Likely pathogenic (1). Last evaluated 2023-12-27.

Conditions:
Ataxia-telangiectasia syndrome (AT). Also called: Ataxia-telangiectasia, complementation group D; AT, COMPLEMENTATION GROUP C; ATAXIA-TELANGIECTASIA, COMPLEMENTATION GROUP A; ATAXIA-TELANGIECTASIA, FRESNO VARIANT; Ataxia-telangiectasia; LOUIS-BAR SYNDROME. Identifiers: Orphanet 100, MedGen C0004135, MONDO:0008840, OMIM 208900.
Hereditary cancer-predisposing syndrome. Also called: Tumor predisposition; Hereditary neoplastic syndrome; Neoplastic Syndromes, Hereditary; Hereditary Cancer Syndrome. Identifiers: Orphanet 140162, MedGen C0027672, MeSH D009386, MONDO:0015356.

Allele frequency attached by ClinVar (database versions not stated): gnomAD exomes below 0.00001.
gnomAD v4.1: 1 of 1,613,888 alleles (0.000062%); highest among the groups gnomAD compares: African/African-American, 0.0013%; no homozygotes.

Submissions (2):

Labcorp Genetics (formerly Invitae), Labcorp
Classification: Pathogenic for Ataxia-telangiectasia syndrome. Last evaluated: 2023-12-27. Review status: criteria provided, single submitter. Criteria: Invitae Variant Classification Sherloc (09022015). Collection method: clinical testing. Allele origin: germline.
Comment: This sequence change affects an acceptor splice site in intron 56 of the ATM gene. It is expected to disrupt RNA splicing. Variants that disrupt the donor or acceptor splice site typically lead to a loss of protein function (PMID: 16199547), and loss-of-function variants in ATM are known to be pathogenic (PMID: 23807571, 25614872). This variant is not present in population databases (gnomAD no frequency). Disruption of this splice site has been observed in individual(s) with ataxia-telangiectasia (A-T) (PMID: 23807571). In at least one individual the data is consistent with being in trans (on the opposite chromosome) from a pathogenic variant. ClinVar contains an entry for this variant (Variation ID: 628875). Algorithms developed to predict the effect of sequence changes on RNA splicing suggest that this variant may disrupt the consensus splice site. For these reasons, this variant has been classified as Pathogenic.

Color Diagnostics, LLC DBA Color Health
Classification: Likely pathogenic for Hereditary cancer-predisposing syndrome. Last evaluated: 2022-01-31. Review status: criteria provided, single submitter. Criteria: ACMG Guidelines, 2015. Collection method: clinical testing. Allele origin: germline.
Comment: This variant causes a G to C nucleotide substitution at the -1 position of intron 56 of the ATM gene. Splice site prediction tools predict that this variant may have a significant impact on RNA splicing. Although this prediction has not been confirmed in published RNA studies, this variant is expected to result in an absent or disrupted protein product. This variant has not been reported in individuals affected with hereditary cancer in the literature. This variant has not been identified in the general population by the Genome Aggregation Database (gnomAD). Loss of ATM function is a known mechanism of disease. Based on the available evidence, this variant is classified as Likely Pathogenic.

Literature cited by the submitters: PubMed 16199547 (cited by Labcorp Genetics (formerly Invitae), Labcorp); PubMed 23807571 (cited by Labcorp Genetics (formerly Invitae), Labcorp); PubMed 25614872 (cited by Labcorp Genetics (formerly Invitae), Labcorp).

NM_000051.4(ATM):c.8269-1G>C

Genes: ATM (ATM serine/threonine kinase; plus strand), C11orf65 (chromosome 11 open reading frame 65; minus strand). Cytogenetic location: 11q22.3.
Variant type: single nucleotide variant.
Coding change: c.8269-1G>C on transcript NM_000051.4 (MANE Select); the canonical splice acceptor site of the intron before coding-DNA position 8269, G replaced by C.
Molecular consequence: splice acceptor variant. On other transcripts: intron variant (2).
Genome position (GRCh38, 1-based): chr11:108,343,221, G>C. VCF-style: chr11-108343221-G-C. GRCh37 (hg19) VCF-style: chr11-108213948-G-C.
Other names: c.8269-1G>C (NM_001351834.2); c.641-34150C>G (NM_001330368.2); c.695-7929C>G (NM_001351110.2).
Identifiers: ClinVar variation 628875 (VCV000628875.12), dbSNP rs1565557607, ClinGen allele CA382516283.